The following is an entry in ClinVar:

NM_001142800.2(EYS):c.4361_4362delinsAG (p.Ser1454Ter)

Gene: EYS (EGF-like photoreceptor maintenance factor; minus strand). Cytogenetic location: 6q12.
Variant type: Indel.
Coding change: c.4361_4362delinsAG on transcript NM_001142800.2 (MANE Select); coding-DNA positions 4361 to 4362, CC replaced by AG.
Protein change: p.Ser1454Ter; replaces serine 1454 with a stop codon.
Molecular consequence: nonsense.
Genome position (GRCh38, 1-based): chr6:64,591,505-64,591,506, GG replaced by CT on the plus strand (CC replaced by AG on the coding strand, the reverse complement: EYS is on the minus strand). VCF-style: chr6-64591505-GG-CT. GRCh37 (hg19) VCF-style: chr6-65301398-GG-CT.
Other names: c.4361_4362delinsAG, p.Ser1454Ter (NM_001292009.2); short protein forms S1454*.
Identifiers: ClinVar variation 812316 (VCV000812316.5), dbSNP rs1582930081, ClinGen allele CA915944322.

ClinVar aggregate classification (germline): Pathogenic. Review status: criteria provided, multiple submitters, no conflicts (2 of 4 stars). 4 submissions from 4 submitters: Pathogenic (3). 1 of the submissions does not count toward it. Last evaluated 2025-01-16.

Conditions:
Retinitis pigmentosa 25 (RP25). Identifiers: Orphanet 791, MedGen C1864446, MONDO:0011272, OMIM 602772.
Retinitis punctata albescens. Identifiers: Orphanet 52427, MedGen C1405854, MONDO:0018877.

Submissions (4):

Labcorp Genetics (formerly Invitae), Labcorp
Classification: Pathogenic. Last evaluated: 2025-01-16. Review status: criteria provided, single submitter. Criteria: Invitae Variant Classification Sherloc (09022015). Collection method: clinical testing. Allele origin: germline.
Comment: This sequence change creates a premature translational stop signal (p.Ser1454*) in the EYS gene. It is expected to result in an absent or disrupted protein product. Loss-of-function variants in EYS are known to be pathogenic (PMID: 18836446, 20333770). Information on the frequency of this variant in the gnomAD database is not available, as this variant may be reported differently in the database. This premature translational stop signal has been observed in individual(s) with autosomal recessive retinitis pigmentosa (PMID: 20375346). ClinVar contains an entry for this variant (Variation ID: 812316). For these reasons, this variant has been classified as Pathogenic.

Myriad Genetics, Inc.
Classification: Pathogenic for Retinitis pigmentosa 25. Last evaluated: 2025-01-14. Review status: criteria provided, single submitter. Criteria: Myriad Autosomal Dominant, Autosomal Recessive and X-Linked Classification Criteria (2023). Collection method: clinical testing. Allele origin: unknown.
Comment: NM_001142800.1(EYS):c.4361_4362delCCinsAG(S1454*) is a nonsense variant classified as pathogenic in the context of retinitis pigmentosa, EYS-related. S1454* has been observed in a case with relevant disease (PMID: 20375346). Relevant functional assessments of this variant are not available in the literature. S1454* has not been observed in referenced population frequency databases. In summary, NM_001142800.1(EYS):c.4361_4362delCCinsAG(S1454*) is a nonsense variant in a gene where loss of function is a known mechanism of disease, is predicted to disrupt protein function, and has been observed more frequently in cases with the relevant disease than in healthy populations. Please note: this variant was assessed in the context of healthy population screening.

Fulgent Genetics
Classification: Pathogenic for Retinitis pigmentosa 25. Last evaluated: 2024-03-22. Review status: criteria provided, single submitter. Criteria: ACMG Guidelines, 2015. Collection method: clinical testing. Allele origin: germline.

Sharon lab, Hadassah-Hebrew University Medical Center
Classification: Pathogenic for Retinitis punctata albescens. Last evaluated: 2019-06-23. Review status: no assertion criteria provided. Collection method: research. Allele origin: inherited. Affected: yes. Not counted in ClinVar's aggregate classification.

Literature cited by the submitters: PubMed 18836446 (cited by Labcorp Genetics (formerly Invitae), Labcorp); PubMed 20333770 (cited by Labcorp Genetics (formerly Invitae), Labcorp); PubMed 20375346 (cited by Labcorp Genetics (formerly Invitae), Labcorp and Myriad Genetics, Inc.).